The following is an entry in ClinVar:

NM_001330588.2(TPP2):c.2813A>G (p.Asn938Ser)

Gene: TPP2 (tripeptidyl peptidase 2; plus strand). Cytogenetic location: 13q33.1.
Variant type: single nucleotide variant.
Coding change: c.2813A>G on transcript NM_001330588.2 (MANE Select); coding-DNA position 2813, A replaced by G.
Protein change: p.Asn938Ser; replaces asparagine 938 with serine.
Molecular consequence: missense variant. On other transcripts: non-coding transcript variant (1).
Genome position (GRCh38, 1-based): chr13:102,649,091, A>G. VCF-style: chr13-102649091-A-G. GRCh37 (hg19) VCF-style: chr13-103301441-A-G.
Other names: c.2813A>G, p.Asn938Ser (NM_001367947.1, NM_003291.4); short protein forms N938S.
Identifiers: ClinVar variation 1346916 (VCV001346916.4), dbSNP rs1883329290, ClinGen allele CA388502174.

ClinVar aggregate classification (germline): Uncertain significance (1 of 4 stars; one submission).

Conditions:
Evans syndrome, immunodeficiency, and premature immunosenescence associated with tripeptidyl-peptidase II deficiency. Identifiers: MedGen CN231723. Disease mechanism: loss of function.

Allele frequency attached by ClinVar (database versions not stated): gnomAD exomes below 0.00001; TOPMed below 0.00001; gnomAD 0.00001.
gnomAD v4.1: 4 of 1,613,184 alleles (0.00025%); highest among the groups gnomAD compares: East Asian, 0.0022%; no homozygotes.

Submission:

Labcorp Genetics (formerly Invitae), Labcorp
Classification: Uncertain significance for Evans syndrome, immunodeficiency, and premature immunosenescence associated with tripeptidyl-peptidase II deficiency. Last evaluated: 2021-11-12. Review status: criteria provided, single submitter. Criteria: Invitae Variant Classification Sherloc (09022015). Collection method: clinical testing. Allele origin: germline.
Comment: In summary, the available evidence is currently insufficient to determine the role of this variant in disease. Therefore, it has been classified as a Variant of Uncertain Significance. Algorithms developed to predict the effect of missense changes on protein structure and function output the following: SIFT: "Tolerated"; PolyPhen-2: "Benign"; Align-GVGD: "Class C0". The serine amino acid residue is found in multiple mammalian species, which suggests that this missense change does not adversely affect protein function. This variant has not been reported in the literature in individuals affected with TPP2-related conditions. This variant is not present in population databases (gnomAD no frequency). This sequence change replaces asparagine, which is neutral and polar, with serine, which is neutral and polar, at codon 938 of the TPP2 protein (p.Asn938Ser).